The following is an entry in ClinVar:

ClinVar aggregate classification (germline): Conflicting classifications of pathogenicity. Review status: criteria provided, conflicting classifications (1 of 4 stars). 3 submissions from 3 submitters: Likely pathogenic (1); Uncertain significance (1); Likely benign (1). Last evaluated 2025-06-05.

Submissions (3):

GeneDx
Classification: Likely pathogenic. Last evaluated: 2025-06-05. Review status: criteria provided, single submitter. Criteria: GeneDx Variant Classification Process June 2021. Collection method: clinical testing. Allele origin: germline. Affected: yes.
Comment: Intronic +5 splice site variant in a gene for which loss of function is a known mechanism of disease, and splice predictors support a deleterious effect; Not observed at significant frequency in large population cohorts (gnomAD); Has not been previously published as pathogenic or benign to our knowledge

Labcorp Genetics (formerly Invitae), Labcorp
Classification: Likely benign. Last evaluated: 2023-11-13. Review status: criteria provided, single submitter. Criteria: Invitae Variant Classification Sherloc (09022015). Collection method: clinical testing. Allele origin: germline.

Blueprint Genetics
Classification: Uncertain significance. Last evaluated: 2019-12-10. Review status: criteria provided, single submitter. Criteria: ACMG Guidelines, 2015. Collection method: clinical testing. Allele origin: germline.

NM_001378609.3(OTOGL):c.4199+5_4199+8del

Gene: OTOGL (otogelin like; plus strand). Cytogenetic location: 12q21.31.
Variant type: Microsatellite.
Coding change: c.4199+5_4199+8del on transcript NM_001378609.3 (MANE Select); bases 5 to 8 of the intron after coding-DNA position 4199, 4 bases deleted (GTAA; older notation c.4199+5_4199+8delGTAA).
Molecular consequence: splice donor variant.
Genome position (GRCh38, 1-based): chr12:80,323,845-80,323,848, GTAA deleted; deleting any 4 consecutive bases within chr12:80,323,841-80,323,848 gives the same sequence; the c. name uses the placement nearest the transcript's 3' end. VCF-style (leftmost placement, unchanged base first): chr12-80323840-CGTAA-C. GRCh37 (hg19) VCF-style: chr12-80717620-CGTAA-C.
Other names: c.4064+5_4064+8del (NM_001368062.3); c.4199+5_4199+8del (NM_001378610.3, NM_173591.7).
Identifiers: ClinVar variation 1667050 (VCV001667050.12), dbSNP rs1887509535, ClinGen allele CA949676866.